The following is an entry in ClinVar:

NM_015450.3(POT1):c.1680G>A (p.Met560Ile)

Gene: POT1 (protection of telomeres 1; minus strand). Cytogenetic location: 7q31.33.
Variant type: single nucleotide variant.
Coding change: c.1680G>A on transcript NM_015450.3 (MANE Select); coding-DNA position 1680, G replaced by A.
Protein change: p.Met560Ile; replaces methionine 560 with isoleucine.
Molecular consequence: missense variant. On other transcripts: non-coding transcript variant (3).
Genome position (GRCh38, 1-based): chr7:124,827,220, C>T on the plus strand (G>A on the coding strand, the complement: POT1 is on the minus strand). VCF-style: chr7-124827220-C-T. GRCh37 (hg19) VCF-style: chr7-124467274-C-T.
Other names: c.1287G>A, p.Met429Ile (NM_001042594.2); short protein forms M429I, M560I.
Identifiers: ClinVar variation 1777909 (VCV001777909.2), dbSNP rs2485344957, ClinGen allele CA369062847.
Genomic context (GRCh38, chr7:124,827,220, plus strand): 5'-TTTTTTAAATATTATTTTTTAATTAAAAATATCTTTATTACCTCTGATACTTACAGAATC[C>T]ATGAGATAGGCTTCTAGTACTCCTGTTCCATCATCAAGTGTAAAGGTCATAACAAACACA-3'
Protein context (NP_056265.2, residues 550-570): DGTGVLEAYL[Met560Ile]DSDKFFQIPA

ClinVar aggregate classification (germline): Uncertain significance (1 of 4 stars; one submission).

Conditions:
Hereditary cancer-predisposing syndrome. Also called: Neoplastic Syndromes, Hereditary; Tumor predisposition; Hereditary Cancer Syndrome; Hereditary neoplastic syndrome. Identifiers: Orphanet 140162, MedGen C0027672, MeSH D009386, MONDO:0015356.

Allele frequency attached by ClinVar (database versions not stated): gnomAD exomes below 0.00001.
gnomAD v4.1: 1 of 1,518,668 alleles (0.000066%); highest among the groups gnomAD compares: Non-Finnish European, 0.00009%; no homozygotes.

Submission:

Ambry Genetics
Classification: Uncertain significance for Hereditary cancer-predisposing syndrome. Last evaluated: 2020-07-20. Review status: criteria provided, single submitter. Criteria: Ambry Variant Classification Scheme 2023. Collection method: clinical testing. Allele origin: germline.
Comment: The p.M560I variant (also known as c.1680G>A), located in coding exon 13 of the POT1 gene, results from a G to A substitution at nucleotide position 1680. The methionine at codon 560 is replaced by isoleucine, an amino acid with highly similar properties. This amino acid position is not well conserved in available vertebrate species. In addition, this alteration is predicted to be tolerated by in silico analysis. Since supporting evidence is limited at this time, the clinical significance of this alteration remains unclear.